The following is an entry in ClinVar:

ClinVar aggregate classification (germline): Uncertain significance (1 of 4 stars; one submission).

Conditions:
Cardiovascular phenotype. Identifiers: MedGen CN230736.

Submission:

Ambry Genetics
Classification: Uncertain significance for Cardiovascular phenotype. Last evaluated: 2026-06-06. Review status: criteria provided, single submitter. Criteria: Ambry Variant Classification Scheme 2023. Collection method: clinical testing. Allele origin: germline.
Comment: The p.S112G variant (also known as c.334A>G), located in coding exon 7 of the MFAP5 gene, results from an A to G substitution at nucleotide position 334. The serine at codon 112 is replaced by glycine, an amino acid with similar properties. This amino acid position is conserved. In addition, this alteration is predicted to be tolerated by in silico analysis. Based on the available evidence, the clinical significance of this variant remains unclear.

NM_003480.4(MFAP5):c.334A>G (p.Ser112Gly)

Gene: MFAP5 (microfibril associated protein 5; minus strand). Cytogenetic location: 12p13.31.
Variant type: single nucleotide variant.
Coding change: c.334A>G on transcript NM_003480.4 (MANE Select); coding-DNA position 334, A replaced by G.
Protein change: p.Ser112Gly; replaces serine 112 with glycine.
Molecular consequence: missense variant. On other transcripts: non-coding transcript variant (2), intron variant (1).
Genome position (GRCh38, 1-based): chr12:8,650,503, T>C on the plus strand (A>G on the coding strand, the complement: MFAP5 is on the minus strand). VCF-style: chr12-8650503-T-C. GRCh37 (hg19) VCF-style: chr12-8803099-T-C.
Other names: c.304A>G, p.Ser102Gly (NM_001297709.2); c.268A>G, p.Ser90Gly (NM_001297710.2); c.259A>G, p.Ser87Gly (NM_001297711.2); c.218-2300A>G (NM_001297712.2); short protein forms S102G, S112G, S87G, S90G.
Identifiers: ClinVar variation 4860014 (VCV004860014.1).
Genomic context (GRCh38, chr12:8,650,503, plus strand): 5'-TTATCAACACAGAAACACTACCATGGAAGATGCTTTTTGGGCATTCTGGGATCCCTTACC[T>C]GGTGAAGCATAACTGATGAATGCATTGTTTAACCGGCCGATGCACAGAGTAGAGCCTTGT-3'
Protein context (NP_003471.1, residues 102-122): KQCIHQLCFT[Ser112Gly]LRRMYIVNKE